The following is an entry in ClinVar:

NM_198994.3(TGM6):c.2052G>A (p.Val684=)

Gene: TGM6 (transglutaminase 6; plus strand). Cytogenetic location: 20p13.
Variant type: single nucleotide variant.
Coding change: c.2052G>A on transcript NM_198994.3 (MANE Select); coding-DNA position 2052, G replaced by A.
Protein change: p.Val684=; no amino-acid change (valine 684 retained).
Molecular consequence: synonymous variant. On other transcripts: 3 prime UTR variant (1).
Genome position (GRCh38, 1-based): chr20:2,432,574, G>A. VCF-style: chr20-2432574-G-A. GRCh37 (hg19) VCF-style: chr20-2413220-G-A.
Other names: c.*40G>A (NM_001254734.2).
Identifiers: ClinVar variation 790214 (VCV000790214.38), dbSNP rs149369357, ClinGen allele CA9732282.
Genomic context (GRCh38, chr20:2,432,574, plus strand): 5'-GAGGGCCTCAGTCCAGTTTGACATCACCCCCTCCAAAAGTGGCCCAAGGCAGCTGCAGGT[G>A]GACCTTGTAAGCCCTCACTTCCCGGACATCAAGGGCTTTGTGATCGTCCATGTGGCCACT-3'
Protein context (NP_945345.2, residues 674-694): PSKSGPRQLQ[Val684=]DLVSPHFPDI

ClinVar aggregate classification (germline): Benign/Likely benign. Review status: criteria provided, multiple submitters, no conflicts (2 of 4 stars). 6 submissions from 6 submitters: Benign (4); Likely benign (2). Last evaluated 2026-01-25.

Conditions:
Spinocerebellar ataxia type 35. Identifiers: Orphanet 276193, MedGen C3888031, MONDO:0013485, OMIM 613908.

Allele frequency attached by ClinVar (database versions not stated): gnomAD exomes 0.00015 and 0.00041; ExAC 0.00054; gnomAD 0.00150 and 0.00165; 1000 Genomes Project 0.00160; 1000 Genomes Project 30x 0.00172; TOPMed 0.00190; ESP Exome Variant Server 0.00200.
gnomAD v4.1: 463 of 1,614,088 alleles (0.029%); highest among the groups gnomAD compares: African/African-American, 0.53%; 3 homozygotes.

Submissions (6):

Labcorp Genetics (formerly Invitae), Labcorp
Classification: Benign. Last evaluated: 2026-01-25. Review status: criteria provided, single submitter. Criteria: Invitae Variant Classification Sherloc (09022015). Collection method: clinical testing. Allele origin: germline.

Athena Diagnostics
Classification: Benign. Last evaluated: 2024-12-18. Review status: criteria provided, single submitter. Criteria: Athena Diagnostics Criteria. Collection method: clinical testing. Allele origin: unknown.
Comment: The frequency of this variant in the general population is higher than would generally be expected for pathogenic variants in this gene.

Blueprint Genetics
Classification: Likely benign. Last evaluated: 2024-10-08. Review status: criteria provided, single submitter. Criteria: ACMG Guidelines, 2015. Collection method: clinical testing. Allele origin: germline.

CeGaT Center for Human Genetics Tuebingen
Classification: Likely benign. Last evaluated: 2024-01-01. Review status: criteria provided, single submitter. Criteria: CeGaT Center For Human Genetics Tuebingen Variant Classification Criteria Version 2. Collection method: clinical testing. Allele origin: germline. Affected: yes. Observed: 2 variant alleles.
Comment: TGM6: BP4, BP7

Illumina Laboratory Services, Illumina
Classification: Benign for Spinocerebellar ataxia type 35. Last evaluated: 2018-01-12. Review status: criteria provided, single submitter. Criteria: ICSL Variant Classification Criteria 13 December 2019. Collection method: clinical testing. Allele origin: germline.
Comment: This variant was observed in the ICSL laboratory as part of a predisposition screen in an ostensibly healthy population. It had not been previously curated by ICSL or reported in the Human Gene Mutation Database (HGMD: prior to June 1st, 2018), and was therefore a candidate for classification through an automated scoring system. Utilizing variant allele frequency, disease prevalence and penetrance estimates, and inheritance mode, an automated score was calculated to assess if this variant is too frequent to cause the disease. Based on the score and internal cut-off values, a variant classified as benign is not then subjected to further curation. The score for this variant resulted in a classification of benign for this disease.

Breakthrough Genomics
Classification: Benign. Review status: criteria provided, single submitter. Criteria: ACMG Guidelines, 2015. Collection method: not provided. Allele origin: germline. Inheritance: Autosomal dominant inheritance. Affected: yes.